The following is an entry in ClinVar:

NM_022114.4(PRDM16):c.2507G>A (p.Gly836Asp)

Gene: PRDM16 (PR/SET domain 16; plus strand). Cytogenetic location: 1p36.32.
Variant type: single nucleotide variant.
Coding change: c.2507G>A on transcript NM_022114.4 (MANE Select); coding-DNA position 2507, G replaced by A.
Protein change: p.Gly836Asp; replaces glycine 836 with aspartic acid.
Molecular consequence: missense variant.
Genome position (GRCh38, 1-based): chr1:3,412,704, G>A. VCF-style: chr1-3412704-G-A. GRCh37 (hg19) VCF-style: chr1-3329268-G-A.
Other names: c.2507G>A, p.Gly836Asp (NM_199454.3); short protein forms G836D.
Identifiers: ClinVar variation 4726682 (VCV004726682.1).

ClinVar aggregate classification (germline): Uncertain significance (1 of 4 stars; one submission).

Conditions:
Left ventricular noncompaction 8 (LVNC8). Identifiers: Orphanet 154, Orphanet 54260, MedGen C3809288, MONDO:0014152, OMIM 615373.

gnomAD v4.1: 2 of 1,495,860 alleles (0.00013%); highest among the groups gnomAD compares: South Asian, 0.0013%; no homozygotes.

Submission:

Labcorp Genetics (formerly Invitae), Labcorp
Classification: Uncertain significance for Left ventricular noncompaction 8. Last evaluated: 2025-09-05. Review status: criteria provided, single submitter. Criteria: Invitae Variant Classification Sherloc (09022015). Collection method: clinical testing. Allele origin: germline.
Comment: This sequence change replaces glycine, which is neutral and non-polar, with aspartic acid, which is acidic and polar, at codon 836 of the PRDM16 protein (p.Gly836Asp). This variant is not present in population databases (gnomAD no frequency). This variant has not been reported in the literature in individuals affected with PRDM16-related conditions. An algorithm developed to predict the effect of missense changes on protein structure and function (PolyPhen-2) suggests that this variant is likely to be tolerated. In summary, the available evidence is currently insufficient to determine the role of this variant in disease. Therefore, it has been classified as a Variant of Uncertain Significance.